The following is an entry in ClinVar:

ClinVar aggregate classification (germline): Uncertain significance (1 of 4 stars; one submission).

Allele frequency attached by ClinVar (database versions not stated): ExAC 0.00020; ESP Exome Variant Server 0.00046; gnomAD 0.00019.

Submission:

Labcorp Genetics (formerly Invitae), Labcorp
Classification: Uncertain significance. Last evaluated: 2025-12-20. Review status: criteria provided, single submitter. Criteria: Invitae Variant Classification Sherloc (09022015). Collection method: clinical testing. Allele origin: germline.
Comment: This sequence change affects codon 93 of the EIF2AK1 mRNA. It is a 'silent' change, meaning that it does not change the encoded amino acid sequence of the EIF2AK1 protein. It affects a nucleotide within the consensus splice site. This variant is present in population databases (rs56396808, gnomAD 0.08%), and has an allele count higher than expected for a pathogenic variant. This variant has not been reported in the literature in individuals affected with EIF2AK1-related conditions. ClinVar contains an entry for this variant (Variation ID: 2767354). Algorithms developed to predict the effect of sequence changes on RNA splicing suggest that this variant is not likely to affect RNA splicing. In summary, the available evidence is currently insufficient to determine the role of this variant in disease. Therefore, it has been classified as a Variant of Uncertain Significance.

NM_014413.4(EIF2AK1):c.277C>T (p.Leu93=)

Gene: EIF2AK1 (eukaryotic translation initiation factor 2 alpha kinase 1; minus strand). Cytogenetic location: 7p22.1.
Variant type: single nucleotide variant.
Coding change: c.277C>T on transcript NM_014413.4 (MANE Select); coding-DNA position 277, C replaced by T.
Protein change: p.Leu93=; no amino-acid change (leucine 93 retained).
Molecular consequence: synonymous variant.
Genome position (GRCh38, 1-based): chr7:6,054,546, G>A on the plus strand (C>T on the coding strand, the complement: EIF2AK1 is on the minus strand). VCF-style: chr7-6054546-G-A. GRCh37 (hg19) VCF-style: chr7-6094177-G-A.
Other names: c.277C>T, p.Leu93= (NM_001134335.2).
Identifiers: ClinVar variation 2767354 (VCV002767354.3), dbSNP rs56396808, ClinGen allele CA4151303.